The following is an entry in ClinVar:

ClinVar aggregate classification (germline): Uncertain significance (1 of 4 stars; one submission).

Submission:

Labcorp Genetics (formerly Invitae), Labcorp
Classification: Uncertain significance. Last evaluated: 2023-07-07. Review status: criteria provided, single submitter. Criteria: Invitae Variant Classification Sherloc (09022015). Collection method: clinical testing. Allele origin: germline.
Comment: In summary, the available evidence is currently insufficient to determine the role of this variant in disease. Therefore, it has been classified as a Variant of Uncertain Significance. An algorithm developed to predict the effect of missense changes on protein structure and function (PolyPhen-2) suggests that this variant is likely to be disruptive. ClinVar contains an entry for this variant (Variation ID: 1427285). This variant has not been reported in the literature in individuals affected with NPPC-related conditions. This variant is not present in population databases (gnomAD no frequency). This sequence change replaces serine with cysteine at codon 122 of the NPPC protein (p.Ser122Cys). The serine residue is highly conserved and there is a moderate physicochemical difference between serine and cysteine.

NM_024409.4(NPPC):c.364A>T (p.Ser122Cys)

Gene: NPPC (natriuretic peptide C; minus strand). Cytogenetic location: 2q37.1.
Variant type: single nucleotide variant.
Coding change: c.364A>T on transcript NM_024409.4 (MANE Select); coding-DNA position 364, A replaced by T.
Protein change: p.Ser122Cys; replaces serine 122 with cysteine.
Molecular consequence: missense variant.
Genome position (GRCh38, 1-based): chr2:231,925,442, T>A on the plus strand (A>T on the coding strand, the complement: NPPC is on the minus strand). VCF-style: chr2-231925442-T-A. GRCh37 (hg19) VCF-style: chr2-232790152-T-A.
Other names: short protein forms S122C.
Identifiers: ClinVar variation 1427285 (VCV001427285.6), dbSNP rs2106193847, ClinGen allele CA351149832.